The following is an entry in ClinVar:

NM_013296.5(GPSM2):c.584_597dup (p.Ala200fs)

Gene: GPSM2 (G protein signaling modulator 2; plus strand). Cytogenetic location: 1p13.3.
Variant type: Duplication.
Coding change: c.584_597dup on transcript NM_013296.5 (MANE Select); coding-DNA positions 584 to 597, 14 bases duplicated (TGGGTGACCGAGCG).
Protein change: p.Ala200fs; shifts the reading frame from alanine 200.
Molecular consequence: frameshift variant.
Genome position (GRCh38, 1-based): chr1:108,898,668-108,898,681, TGGGTGACCGAGCG duplicated. VCF-style (leftmost placement, unchanged base first): chr1-108898667-T-TTGGGTGACCGAGCG. GRCh37 (hg19) VCF-style: chr1-109441289-T-TTGGGTGACCGAGCG.
Other names: c.584_597dup, p.Ala200fs (NM_001321038.2, NM_001321039.3); short protein forms A200fs.
Identifiers: ClinVar variation 4879369 (VCV004879369.1).

ClinVar aggregate classification (germline): Likely pathogenic (1 of 4 stars; one submission).

Conditions:
Chudley-McCullough syndrome (CMCS). Also called: DEAFNESS, SENSORINEURAL, WITH PARTIAL AGENESIS OF THE CORPUS CALLOSUM AND ARACHNOID CYSTS; Deafness, autosomal recessive 82. Identifiers: Orphanet 314597, MedGen C1858695, MONDO:0011411, OMIM 604213.

Submission:

Department of Genomics and Clinical Genetics, IRCCS Istituto Giannina Gaslini
Classification: Likely pathogenic for Chudley-McCullough syndrome. Review status: criteria provided, single submitter. Criteria: ACMG Guidelines, 2015. Collection method: clinical testing. Allele origin: germline. Inheritance: Autosomal recessive inheritance. Affected: yes. Observed: 1 variant allele, 1 homozygote.
Comment: WES identified a homozygous frameshift variant in GPSM2 (NM_013296.5), c.584_597dup p.(Ala200TrpfsTer29). This duplication disrupts the reading frame and introduces a premature termination codon, predicting loss of function of the encoded protein. The variant is classified as likely pathogenic according to ACMG criteria (PVS1, PM2; Richards et al, 2015; PMID 25741868) and is supported by a CADD PHRED score of 34 and a deleterious MutationTaster prediction.